The following is an entry in ClinVar:

ClinVar aggregate classification (germline): Uncertain significance. Review status: criteria provided, multiple submitters, no conflicts (2 of 4 stars). 2 submissions from 2 submitters: Uncertain significance (2). Last evaluated 2025-04-16.

Allele frequency attached by ClinVar (database versions not stated): gnomAD exomes below 0.00001 and 0.00001; ExAC 0.00002; gnomAD 0.00002 and 0.00003; TOPMed 0.00002; 1000 Genomes Project 30x 0.00031.
gnomAD v4.1: 10 of 1,612,452 alleles (0.00062%); highest among the groups gnomAD compares: Admixed American, 0.005%; no homozygotes.

Submissions (2):

Labcorp Genetics (formerly Invitae), Labcorp
Classification: Uncertain significance. Last evaluated: 2025-04-16. Review status: criteria provided, single submitter. Criteria: Invitae Variant Classification Sherloc (09022015). Collection method: clinical testing. Allele origin: germline.
Comment: This sequence change replaces valine, which is neutral and non-polar, with alanine, which is neutral and non-polar, at codon 2968 of the CDH23 protein (p.Val2968Ala). This variant is present in population databases (rs765847991, gnomAD 0.003%). This missense change has been observed in individual(s) with Usher syndrome (PMID: 18429043). ClinVar contains an entry for this variant (Variation ID: 1406272). Invitae Evidence Modeling of protein sequence and biophysical properties (such as structural, functional, and spatial information, amino acid conservation, physicochemical variation, residue mobility, and thermodynamic stability) has been performed for this missense variant. However, the output from this modeling did not meet the statistical confidence thresholds required to predict the impact of this variant on CDH23 protein function. In summary, the available evidence is currently insufficient to determine the role of this variant in disease. Therefore, it has been classified as a Variant of Uncertain Significance.

GeneDx
Classification: Uncertain significance. Last evaluated: 2024-11-12. Review status: criteria provided, single submitter. Criteria: GeneDx Variant Classification Process June 2021. Collection method: clinical testing. Allele origin: germline. Affected: yes.
Comment: Reported in a patient with Usher syndrome in published literature (PMID: 18429043); additional clinical and molecular information not available; Not observed at significant frequency in large population cohorts (gnomAD); In silico analysis supports that this missense variant has a deleterious effect on protein structure/function; This variant is associated with the following publications: (PMID: 18429043)

Literature cited by the submitters: PubMed 18429043 (cited by Labcorp Genetics (formerly Invitae), Labcorp).

NM_022124.6(CDH23):c.8903T>C (p.Val2968Ala)

Gene: CDH23 (cadherin related 23; plus strand). Cytogenetic location: 10q22.1.
Variant type: single nucleotide variant.
Coding change: c.8903T>C on transcript NM_022124.6 (MANE Select); coding-DNA position 8903, T replaced by C.
Protein change: p.Val2968Ala; replaces valine 2968 with alanine.
Molecular consequence: missense variant.
Genome position (GRCh38, 1-based): chr10:71,810,000, T>C. VCF-style: chr10-71810000-T-C. GRCh37 (hg19) VCF-style: chr10-73569757-T-C.
Other names: c.8903T>C (NM_022124.5); c.2183T>C, p.Val728Ala (NM_001171933.1, NM_001171934.1); short protein forms V2968A, V728A.
Identifiers: ClinVar variation 1406272 (VCV001406272.5), dbSNP rs765847991, ClinGen allele CA5546787.